The following is an entry in ClinVar:

ClinVar aggregate classification (germline): Uncertain significance (1 of 4 stars; one submission).

Conditions:
Rhabdoid tumor predisposition syndrome 2 (RTPS2). Identifiers: Orphanet 231108, Orphanet 69077, MedGen C2750074, MONDO:0013224, OMIM 613325.

Submission:

Labcorp Genetics (formerly Invitae), Labcorp
Classification: Uncertain significance for Rhabdoid tumor predisposition syndrome 2. Last evaluated: 2022-02-25. Review status: criteria provided, single submitter. Criteria: Invitae Variant Classification Sherloc (09022015). Collection method: clinical testing. Allele origin: germline.
Comment: In summary, the available evidence is currently insufficient to determine the role of this variant in disease. Therefore, it has been classified as a Variant of Uncertain Significance. Algorithms developed to predict the effect of missense changes on protein structure and function are either unavailable or do not agree on the potential impact of this missense change (SIFT: "Deleterious"; PolyPhen-2: "Benign"; Align-GVGD: "Class C0"). This sequence change replaces leucine, which is neutral and non-polar, with phenylalanine, which is neutral and non-polar, at codon 748 of the SMARCA4 protein (p.Leu748Phe). This variant is not present in population databases (gnomAD no frequency). This variant has not been reported in the literature in individuals affected with SMARCA4-related conditions. ClinVar contains an entry for this variant (Variation ID: 939507).

NM_003072.5(SMARCA4):c.2242C>T (p.Leu748Phe)

Gene: SMARCA4 (SWI/SNF related BAF chromatin remodeling complex subunit ATPase 4; plus strand). Cytogenetic location: 19p13.2.
Variant type: single nucleotide variant.
Coding change: c.2242C>T on transcript NM_003072.5 (MANE Select); coding-DNA position 2242, C replaced by T.
Protein change: p.Leu748Phe; replaces leucine 748 with phenylalanine.
Molecular consequence: missense variant. On other transcripts: non-coding transcript variant (1).
Genome position (GRCh38, 1-based): chr19:11,010,499, C>T. VCF-style: chr19-11010499-C-T. GRCh37 (hg19) VCF-style: chr19-11121175-C-T.
Other names: c.2242C>T, p.Leu748Phe (NM_001128844.3, NM_001128845.2, NM_001128846.2 and 4 more transcripts); short protein forms L748F.
Identifiers: ClinVar variation 939507 (VCV000939507.9), dbSNP rs2088720910, ClinGen allele CA404052908.